The following is an entry in ClinVar:

NM_003356.4(UCP3):c.384C>T (p.Ala128=)

Gene: UCP3 (uncoupling protein 3; minus strand). Cytogenetic location: 11q13.4.
Variant type: single nucleotide variant.
Coding change: c.384C>T on transcript NM_003356.4 (MANE Select); coding-DNA position 384, C replaced by T.
Protein change: p.Ala128=; no amino-acid change (alanine 128 retained).
Molecular consequence: synonymous variant.
Genome position (GRCh38, 1-based): chr11:74,005,887, G>A on the plus strand (C>T on the coding strand, the complement: UCP3 is on the minus strand). VCF-style: chr11-74005887-G-A. GRCh37 (hg19) VCF-style: chr11-73716932-G-A.
Other names: c.384C>T, p.Ala128= (NM_022803.3).
Identifiers: ClinVar variation 3348940 (VCV003348940.1).
Genomic context (GRCh38, chr11:74,005,887, plus strand): 5'-TATGCTGGCCTGAAATCGGACCTTCACCACATCTGTGGGCTGGGCACAGGTCACCGCCAT[G>A]GCTCCTGTGGTGCAGCCGGCCAAAATCCGGGTAGTGAGGCTGGAGTCTGGGAGGGGCAGA-3'
Protein context (NP_003347.1, residues 118-138): TRILAGCTTG[Ala128=]MAVTCAQPTD

ClinVar aggregate classification (germline): Likely benign (0 of 4 stars; one submission).

Conditions:
UCP3-related disorder. Also called: UCP3-related condition.

gnomAD v4.1: 3 of 1,614,082 alleles (0.00019%); highest among the groups gnomAD compares: East Asian, 0.0022%; no homozygotes.

Submission:

PreventionGenetics, part of Exact Sciences
Classification: Likely benign for UCP3-related condition. Last evaluated: 2024-02-07. Review status: no assertion criteria provided. Collection method: clinical testing. Allele origin: germline.
Comment: This variant is classified as likely benign based on ACMG/AMP sequence variant interpretation guidelines (Richards et al. 2015 PMID: 25741868, with internal and published modifications).